The following is an entry in ClinVar:

ClinVar aggregate classification (germline): Uncertain significance. Review status: criteria provided, multiple submitters, no conflicts (2 of 4 stars). 2 submissions from 2 submitters: Uncertain significance (2). Last evaluated 2026-03-02.

Conditions:
Inborn genetic diseases. Identifiers: MedGen C0950123, MeSH D030342.
Deafness-lymphedema-leukemia syndrome. Also called: Lymphedema, primary, with myelodysplasia; Emberger syndrome. Identifiers: Orphanet 3226, MedGen C3279664, MONDO:0013540, OMIM 614038.
Monocytopenia with susceptibility to infections. Also called: GATA2 DEFICIENCY; MONOCYTOPENIA AND MYCOBACTERIAL INFECTION SYNDROME; MONOCYTOPENIA WITH SUSCEPTIBILITY TO MYCOBACTERIAL, FUNGAL, AND PAPILLOMAVIRUS INFECTIONS AND MYELODYSPLASIA; COMBINED IMMUNODEFICIENCY WITH SUSCEPTIBILITY TO MYCOBACTERIAL, VIRAL, AND FUNGAL INFECTIONS; Dendritic cell, monocyte, B lymphocyte, and natural killer lymphocyte deficiency; IMMUNODEFICIENCY 21. Identifiers: Orphanet 228423, MedGen C3280030, MONDO:0013607, OMIM 614172.

Allele frequency attached by ClinVar (database versions not stated): gnomAD exomes below 0.00001; TOPMed below 0.00001.
gnomAD v4.1: 1 of 1,614,072 alleles (0.000062%); highest among the groups gnomAD compares: Non-Finnish European, 0.000085%; no homozygotes.

Submissions (2):

Ambry Genetics
Classification: Uncertain significance for Inborn genetic diseases. Last evaluated: 2026-03-02. Review status: criteria provided, single submitter. Criteria: Ambry Variant Classification Scheme 2023. Collection method: clinical testing. Allele origin: germline.
Comment: The p.F270L variant (also known as c.810C>G), located in coding exon 2 of the GATA2 gene, results from a C to G substitution at nucleotide position 810. The phenylalanine at codon 270 is replaced by leucine, an amino acid with highly similar properties. This amino acid position is not well conserved in available vertebrate species. In addition, this alteration is predicted to be tolerated by in silico analysis. Based on the available evidence, the clinical significance of this variant remains unclear.

Labcorp Genetics (formerly Invitae), Labcorp
Classification: Uncertain significance for Monocytopenia with susceptibility to infections; Deafness-lymphedema-leukemia syndrome. Last evaluated: 2023-06-05. Review status: criteria provided, single submitter. Criteria: Invitae Variant Classification Sherloc (09022015). Collection method: clinical testing. Allele origin: germline.
Comment: In summary, the available evidence is currently insufficient to determine the role of this variant in disease. Therefore, it has been classified as a Variant of Uncertain Significance. This sequence change replaces phenylalanine, which is neutral and non-polar, with leucine, which is neutral and non-polar, at codon 270 of the GATA2 protein (p.Phe270Leu). This variant is not present in population databases (gnomAD no frequency). This variant has not been reported in the literature in individuals affected with GATA2-related conditions. ClinVar contains an entry for this variant (Variation ID: 1061270). Advanced modeling of protein sequence and biophysical properties (such as structural, functional, and spatial information, amino acid conservation, physicochemical variation, residue mobility, and thermodynamic stability) performed at Invitae indicates that this missense variant is not expected to disrupt GATA2 protein function.

NM_032638.5(GATA2):c.810C>G (p.Phe270Leu)

Gene: GATA2 (GATA binding protein 2; minus strand). Cytogenetic location: 3q21.3.
Variant type: single nucleotide variant.
Coding change: c.810C>G on transcript NM_032638.5 (MANE Select); coding-DNA position 810, C replaced by G.
Protein change: p.Phe270Leu; replaces phenylalanine 270 with leucine.
Molecular consequence: missense variant.
Genome position (GRCh38, 1-based): chr3:128,485,788, G>C on the plus strand (C>G on the coding strand, the complement: GATA2 is on the minus strand). VCF-style: chr3-128485788-G-C. GRCh37 (hg19) VCF-style: chr3-128204631-G-C.
Other names: c.810C>G, p.Phe270Leu (NM_001145661.2, NM_001145662.1); c.810C>G (NM_032638.4); short protein forms F270L.
Identifiers: ClinVar variation 1061270 (VCV001061270.10), dbSNP rs2068686630, ClinGen allele CA354405843.